The following is an entry in ClinVar:

NM_005751.5(AKAP9):c.10748C>T (p.Ser3583Leu)

Gene: AKAP9 (A-kinase anchoring protein 9; plus strand). Cytogenetic location: 7q21.2.
Variant type: single nucleotide variant.
Coding change: c.10748C>T on transcript NM_005751.5 (MANE Select); coding-DNA position 10748, C replaced by T.
Protein change: p.Ser3583Leu; replaces serine 3583 with leucine.
Molecular consequence: missense variant.
Genome position (GRCh38, 1-based): chr7:92,099,721, C>T. VCF-style: chr7-92099721-C-T. GRCh37 (hg19) VCF-style: chr7-91729035-C-T.
Other names: c.5393C>T, p.Ser1798Leu (NM_001379277.1); c.10724C>T, p.Ser3575Leu (NM_147185.3); short protein forms S1798L, S3575L, S3583L.
Identifiers: ClinVar variation 1784271 (VCV001784271.6), dbSNP rs750984360, ClinGen allele CA4338022.

ClinVar aggregate classification (germline): Uncertain significance. Review status: criteria provided, multiple submitters, no conflicts (2 of 4 stars). 2 submissions from 2 submitters: Uncertain significance (2). Last evaluated 2025-05-18.

Conditions:
Cardiovascular phenotype. Identifiers: MedGen CN230736.
Long QT syndrome (LQTS). Identifiers: MedGen C0023976, MeSH D008133, MONDO:0002442. Disease mechanism: loss of function. Inheritance: Various modes of inheritance.

Allele frequency attached by ClinVar (database versions not stated): ExAC 0.00001; gnomAD 0.00001; gnomAD exomes 0.00002; TOPMed 0.00002.
gnomAD v4.1: 23 of 1,613,912 alleles (0.0014%); highest among the groups gnomAD compares: East Asian, 0.0022%; no homozygotes.

Submissions (2):

Ambry Genetics
Classification: Uncertain significance for Cardiovascular phenotype. Last evaluated: 2025-05-18. Review status: criteria provided, single submitter. Criteria: Ambry Variant Classification Scheme 2023. Collection method: clinical testing. Allele origin: germline.
Comment: The p.S3583L variant (also known as c.10748C>T), located in coding exon 44 of the AKAP9 gene, results from a C to T substitution at nucleotide position 10748. The serine at codon 3583 is replaced by leucine, an amino acid with dissimilar properties. This amino acid position is well conserved in available vertebrate species. In addition, this alteration is predicted to be tolerated by in silico analysis. The evidence for this gene-disease relationship is limited; therefore, the clinical significance of this alteration is unclear.

Labcorp Genetics (formerly Invitae), Labcorp
Classification: Uncertain significance for Long QT syndrome. Last evaluated: 2024-10-15. Review status: criteria provided, single submitter. Criteria: Invitae Variant Classification Sherloc (09022015). Collection method: clinical testing. Allele origin: germline.
Comment: This sequence change replaces serine, which is neutral and polar, with leucine, which is neutral and non-polar, at codon 3583 of the AKAP9 protein (p.Ser3583Leu). This variant is present in population databases (rs750984360, gnomAD 0.002%). This variant has not been reported in the literature in individuals affected with AKAP9-related conditions. ClinVar contains an entry for this variant (Variation ID: 1784271). An algorithm developed to predict the effect of missense changes on protein structure and function (PolyPhen-2) suggests that this variant is likely to be disruptive. In summary, the available evidence is currently insufficient to determine the role of this variant in disease. Therefore, it has been classified as a Variant of Uncertain Significance.

Literature cited by the submitters: PubMed 30369311 (cited by Ambry Genetics).